The following is an entry in ClinVar:

ClinVar aggregate classification (germline): Conflicting classifications of pathogenicity. Review status: criteria provided, conflicting classifications (1 of 4 stars). 8 submissions from 4 submitters: Uncertain significance (5); Benign (1); Likely benign (1). 1 of the submissions does not count toward it. Last evaluated 2023-11-29.

Conditions:
TTN-related disorder. Also called: TTN-related disorders; TTN-related condition; TTN-related disease.
Myopathy, myofibrillar, 9, with early respiratory failure (MFM9). Also called: Hereditary myopathy with early respiratory failure; Myopathy, distal, with early respiratory failure, autosomal dominant; EDSTROM MYOPATHY; MYOPATHY, PROXIMAL, WITH EARLY RESPIRATORY MUSCLE INVOLVEMENT. Identifiers: Orphanet 178464, Orphanet 34521, MedGen C1863599, MONDO:0011362, OMIM 603689.
Early-onset myopathy with fatal cardiomyopathy (CMYO5). Also called: Salih Myopathy; CONGENITAL MYOPATHY 5 WITH CARDIOMYOPATHY. Identifiers: Orphanet 289377, MedGen C2673677, MONDO:0012714, OMIM 611705. Disease mechanism: loss of function.
Autosomal recessive limb-girdle muscular dystrophy type 2J (LGMDR10). Also called: Limb-girdle muscular dystrophy, type 2J; MUSCULAR DYSTROPHY, LIMB-GIRDLE, AUTOSOMAL RECESSIVE 10. Identifiers: Orphanet 140922, MedGen C1837342, MONDO:0012127, OMIM 608807.
Tibial muscular dystrophy (TMD). Also called: UDD MYOPATHY; Tibial muscular dystrophy, tardive; Udd Distal Myopathy – Tibial Muscular Dystrophy. Identifiers: Orphanet 609, MedGen C1838244, MONDO:0010870, OMIM 600334.
Dilated cardiomyopathy 1G (CMD1G). Identifiers: Orphanet 154, MedGen C1858763, MONDO:0011400, OMIM 604145.

Allele frequency attached by ClinVar (database versions not stated): gnomAD 0.00007; gnomAD exomes 0.00002 and 0.00004; TOPMed 0.00005; ExAC 0.00002.
gnomAD v4.1: 51 of 1,613,710 alleles (0.0032%); highest among the groups gnomAD compares: African/African-American, 0.0013%; no homozygotes.

Submissions (8):

GeneDx
Classification: Uncertain significance. Last evaluated: 2023-11-29. Review status: criteria provided, single submitter. Criteria: GeneDx Variant Classification Process June 2021. Collection method: clinical testing. Allele origin: germline.
Comment: Missense variant in a gene in which most reported pathogenic variants are truncating/loss of function; Has not been previously published as pathogenic or benign to our knowledge; In silico analysis suggests this variant may impact gene splicing. In the absence of RNA/functional studies, the actual effect of this sequence change is unknown.

Illumina Laboratory Services, Illumina
Classification: Likely benign for Myopathy, myofibrillar, 9, with early respiratory failure. Last evaluated: 2018-01-13. Review status: criteria provided, single submitter. Criteria: ICSL Variant Classification Criteria 13 December 2019. Collection method: clinical testing. Allele origin: germline.
Comment: This variant was observed in the ICSL laboratory as part of a predisposition screen in an ostensibly healthy population. It had not been previously curated by ICSL or reported in the Human Gene Mutation Database (HGMD: prior to June 1st, 2018), and was therefore a candidate for classification through an automated scoring system. Utilizing variant allele frequency, disease prevalence and penetrance estimates, and inheritance mode, an automated score was calculated to assess if this variant is too frequent to cause the disease. Based on the score and internal cut-off values, a variant classified as likely benign is not then subjected to further curation. The score for this variant resulted in a classification of likely benign for this disease.

Illumina Laboratory Services, Illumina
Classification: Uncertain significance for Early-onset myopathy with fatal cardiomyopathy. Last evaluated: 2018-01-13. Review status: criteria provided, single submitter. Criteria: ICSL Variant Classification Criteria 13 December 2019. Collection method: clinical testing. Allele origin: germline.

Illumina Laboratory Services, Illumina
Classification: Uncertain significance for Autosomal recessive limb-girdle muscular dystrophy type 2J. Last evaluated: 2018-01-13. Review status: criteria provided, single submitter. Criteria: ICSL Variant Classification Criteria 13 December 2019. Collection method: clinical testing. Allele origin: germline.

Illumina Laboratory Services, Illumina
Classification: Benign for Tibial muscular dystrophy. Last evaluated: 2018-01-13. Review status: criteria provided, single submitter. Criteria: ICSL Variant Classification Criteria 13 December 2019. Collection method: clinical testing. Allele origin: germline.
Comment: This variant was observed in the ICSL laboratory as part of a predisposition screen in an ostensibly healthy population. It had not been previously curated by ICSL or reported in the Human Gene Mutation Database (HGMD: prior to June 1st, 2018), and was therefore a candidate for classification through an automated scoring system. Utilizing variant allele frequency, disease prevalence and penetrance estimates, and inheritance mode, an automated score was calculated to assess if this variant is too frequent to cause the disease. Based on the score and internal cut-off values, a variant classified as benign is not then subjected to further curation. The score for this variant resulted in a classification of benign for this disease.

Illumina Laboratory Services, Illumina
Classification: Uncertain significance for Dilated cardiomyopathy 1G. Last evaluated: 2018-01-13. Review status: criteria provided, single submitter. Criteria: ICSL Variant Classification Criteria 13 December 2019. Collection method: clinical testing. Allele origin: germline.

Laboratory for Molecular Medicine, Mass General Brigham Personalized Medicine
Classification: Uncertain significance. Last evaluated: 2015-03-11. Review status: criteria provided, single submitter. Criteria: LMM Criteria. Collection method: clinical testing. Allele origin: germline. Observed: 3 variant alleles.
Comment: The p.Asn8021His variant in TTN has not been previously reported in individuals with cardiomyopathy, but has been identified in 3/66604 European chromosomes by the Exome Aggregation Consortium (ExAC; dbSNP rs 397517524). Computational prediction tools and conservation analysis do not prov ide strong support for or against an impact to the protein. In summary, the clin ical significance of the p.Asn8021His variant is uncertain.

PreventionGenetics, part of Exact Sciences
Classification: Uncertain significance for TTN-related condition. Last evaluated: 2024-01-26. Review status: no assertion criteria provided. Collection method: clinical testing. Allele origin: germline. Not counted in ClinVar's aggregate classification.
Comment: The TTN c.27793A>C variant is predicted to result in the amino acid substitution p.Asn9265His. To our knowledge, this variant has not been reported in the literature. This variant is reported in 0.058% of alleles in individuals of Ashkenazi Jewish descent in gnomAD. Although we suspect that this variant may be benign, at this time, the clinical significance of this variant is uncertain due to the absence of conclusive functional and genetic evidence.

NM_001267550.2(TTN):c.27793A>C (p.Asn9265His)

Gene: TTN (titin; minus strand). Cytogenetic location: 2q31.2.
Variant type: single nucleotide variant.
Coding change: c.27793A>C on transcript NM_001267550.2 (MANE Select); coding-DNA position 27793, A replaced by C.
Protein change: p.Asn9265His; replaces asparagine 9265 with histidine.
Molecular consequence: missense variant. On other transcripts: intron variant (3).
Genome position (GRCh38, 1-based): chr2:178,712,037, T>G on the plus strand (A>C on the coding strand, the complement: TTN is on the minus strand). VCF-style: chr2-178712037-T-G. GRCh37 (hg19) VCF-style: chr2-179576764-T-G.
Other names: c.24061A>C, p.Asn8021His (NM_133378.4); c.26842A>C, p.Asn8948His (NM_001256850.1); c.13282+26045A>C (NM_003319.4); c.13858+26045A>C (NM_133437.4); c.13657+26045A>C (NM_133432.3); c.27793A>C (NM_001267550.1); short protein forms N9265H, N8021H, N8948H.
Identifiers: ClinVar variation 46799 (VCV000046799.12), dbSNP rs397517524, ClinGen allele CA139227.